The following is an entry in ClinVar:

NM_152490.5(B3GALNT2):c.276C>T (p.Phe92=)

Gene: B3GALNT2 (beta-1,3-N-acetylgalactosaminyltransferase 2; minus strand). Cytogenetic location: 1q42.3.
Variant type: single nucleotide variant.
Coding change: c.276C>T on transcript NM_152490.5 (MANE Select); coding-DNA position 276, C replaced by T.
Protein change: p.Phe92=; no amino-acid change (phenylalanine 92 retained).
Molecular consequence: synonymous variant.
Genome position (GRCh38, 1-based): chr1:235,489,253, G>A on the plus strand (C>T on the coding strand, the complement: B3GALNT2 is on the minus strand). VCF-style: chr1-235489253-G-A. GRCh37 (hg19) VCF-style: chr1-235652558-G-A.
Other names: p.Phe92=; c.399C>T, p.Phe133= (NM_001277155.3).
Identifiers: ClinVar variation 390834 (VCV000390834.19), dbSNP rs114039725, ClinGen allele CA1464951.

ClinVar aggregate classification (germline): Likely benign. Review status: criteria provided, multiple submitters, no conflicts (2 of 4 stars). 4 submissions from 4 submitters: Likely benign (4). Last evaluated 2026-01-05.

Conditions:
Muscular dystrophy-dystroglycanopathy (congenital with brain and eye anomalies), type a, 11 (MDDGA11). Also called: WALKER-WARBURG SYNDROME OR MUSCLE-EYE-BRAIN DISEASE, B3GALNT2-RELATED; Muscular dystrophy-dystroglycanopathy (congenital with brain and eye anomalies, type A, 11; Congenital muscular dystrophy-dystroglycanopathy with brain and eye anomalies, type A11. Identifiers: Orphanet 588, Orphanet 899, MedGen C3554638, MONDO:0014071, OMIM 615181.

Allele frequency attached by ClinVar (database versions not stated): gnomAD exomes 0.00014; ExAC 0.00016; 1000 Genomes Project 0.00060; 1000 Genomes Project 30x 0.00062; gnomAD 0.00070; TOPMed 0.00077; ESP Exome Variant Server 0.00085.

Submissions (4):

Labcorp Genetics (formerly Invitae), Labcorp
Classification: Likely benign for Muscular dystrophy-dystroglycanopathy (congenital with brain and eye anomalies), type a, 11. Last evaluated: 2026-01-05. Review status: criteria provided, single submitter. Criteria: Invitae Variant Classification Sherloc (09022015). Collection method: clinical testing. Allele origin: germline.

Mayo Clinic Laboratories, Mayo Clinic
Classification: Likely benign. Last evaluated: 2025-08-18. Review status: criteria provided, single submitter. Criteria: ACMG Guidelines, 2015. Collection method: clinical testing. Allele origin: germline. Observed: 1 variant allele.
Comment: BS1, BP4, BP7

GeneDx
Classification: Likely benign. Last evaluated: 2016-11-17. Review status: criteria provided, single submitter. Criteria: GeneDx Variant Classification (06012015). Collection method: clinical testing. Allele origin: germline. Affected: yes.
Comment: This variant is considered likely benign or benign based on one or more of the following criteria: it is a conservative change, it occurs at a poorly conserved position in the protein, it is predicted to be benign by multiple in silico algorithms, and/or has population frequency not consistent with disease.

Genetic Services Laboratory, University of Chicago
Classification: Likely benign. Last evaluated: 2016-01-05. Review status: criteria provided, single submitter. Criteria: ACMG Guidelines, 2015. Collection method: clinical testing. Allele origin: germline. Affected: no.